The following is an entry in ClinVar:

ClinVar aggregate classification (germline): Pathogenic/Likely pathogenic. Review status: criteria provided, multiple submitters, no conflicts (2 of 4 stars). 2 submissions from 2 submitters: Pathogenic (1); Likely pathogenic (1). Last evaluated 2022-08-08.

Conditions:
Intellectual disability. Also called: Intellectual developmental disorder; Intellectual functioning disability; intellectual disabilities. Identifiers: MedGen C3714756, MeSH D008607, MONDO:0001071, HP:0001249.
Landau-Kleffner syndrome (FESD). Also called: APHASIA, ACQUIRED, WITH EPILEPSY; EPILEPSY, FOCAL, WITH SPEECH DISORDER AND WITH OR WITHOUT MENTAL RETARDATION. Identifiers: Orphanet 1945, Orphanet 725, Orphanet 98818, MedGen C0282512, MONDO:0009509, OMIM 245570.

Submissions (2):

Labcorp Genetics (formerly Invitae), Labcorp
Classification: Pathogenic for Landau-Kleffner syndrome. Last evaluated: 2022-08-08. Review status: criteria provided, single submitter. Criteria: Invitae Variant Classification Sherloc (09022015). Collection method: clinical testing. Allele origin: germline.
Comment: This sequence change replaces serine, which is neutral and polar, with arginine, which is basic and polar, at codon 554 of the GRIN2A protein (p.Ser554Arg). For these reasons, this variant has been classified as Pathogenic. Advanced modeling of protein sequence and biophysical properties (such as structural, functional, and spatial information, amino acid conservation, physicochemical variation, residue mobility, and thermodynamic stability) performed at Invitae indicates that this missense variant is expected to disrupt GRIN2A protein function. ClinVar contains an entry for this variant (Variation ID: 691255). This missense change has been observed in individual(s) with clinical features of developmental and epileptic encephalopathy (Invitae). In at least one individual the variant was observed to be de novo. This variant is not present in population databases (gnomAD no frequency).

Department of Genetics, Rouen University Hospital, Normandy Center for Genomic and Personalized Medicine
Classification: Likely pathogenic for Intellectual disability. Last evaluated: 2017-01-16. Review status: criteria provided, single submitter. Criteria: ACMG Guidelines, 2015. Collection method: clinical testing. Allele origin: de novo. Affected: yes.

NM_001134407.3(GRIN2A):c.1662C>A (p.Ser554Arg)

Gene: GRIN2A (glutamate ionotropic receptor NMDA type subunit 2A; minus strand). Cytogenetic location: 16p13.2.
Variant type: single nucleotide variant.
Coding change: c.1662C>A on transcript NM_001134407.3 (MANE Select); coding-DNA position 1662, C replaced by A.
Protein change: p.Ser554Arg; replaces serine 554 with arginine.
Molecular consequence: missense variant.
Genome position (GRCh38, 1-based): chr16:9,834,220, G>T on the plus strand (C>A on the coding strand, the complement: GRIN2A is on the minus strand). VCF-style: chr16-9834220-G-T. GRCh37 (hg19) VCF-style: chr16-9928077-G-T.
Other names: c.1662C>A, p.Ser554Arg (NM_000833.5, NM_001134408.2); short protein forms S554R.
Identifiers: ClinVar variation 691255 (VCV000691255.9), dbSNP rs1596476657, ClinGen allele CA394800131.
Genomic context (GRCh38, chr16:9,834,220, plus strand): 5'-AAAAACAGCTATGGCAGAAACAATGAGCAGCATCACAAACATCATCACCCAGACAGAGGC[G>T]CTGAATGGTTCTGCAAATAAACAGATAAAGGAATGGAAACGTGGTTAGTTATCTCTTCCT-3'
Protein context (NP_001127879.1, residues 544-564): VSPSAFLEPF[Ser554Arg]ASVWVMMFVM